The following is an entry in ClinVar:

ClinVar aggregate classification (germline): Pathogenic/Likely pathogenic. Review status: criteria provided, multiple submitters, no conflicts (2 of 4 stars). 5 submissions from 5 submitters: Pathogenic (3); Likely pathogenic (1). 1 of the submissions does not count toward it. Last evaluated 2025-12-11.

Conditions:
Polycystic kidney disease 2 (PKD2). Also called: Polycystic Kidney Disease 2, Autosomal Dominant; POLYCYSTIC KIDNEY DISEASE 2 WITH OR WITHOUT POLYCYSTIC LIVER DISEASE; POLYCYSTIC KIDNEY DISEASE, ADULT, TYPE II. Identifiers: MedGen C2751306, MONDO:0013131, OMIM 613095.

Submissions (5):

Medical and Scientific Branch, Hong Kong Genome Institute
Classification: Likely pathogenic for Polycystic kidney disease 2. Last evaluated: 2025-12-11. Review status: criteria provided, single submitter. Criteria: ACMG Guidelines, 2015. Collection method: clinical testing. Allele origin: germline. Affected: yes.

Women's Health and Genetics/Laboratory Corporation of America, LabCorp
Classification: Pathogenic for Polycystic kidney disease 2. Last evaluated: 2025-03-14. Review status: criteria provided, single submitter. Criteria: LabCorp Variant Classification Summary - May 2015. Collection method: clinical testing. Allele origin: germline.
Comment: Variant summary: PKD2 c.2358+1G>A is located in a canonical splice-site and is predicted to affect mRNA splicing resulting in a significantly altered protein due to either exon skipping, shortening, or inclusion of intronic material. Variants that disrupt the consensus splice site are a relatively common cause of aberrant splicing and loss of PKD2 function. Computational tools predict a significant impact on normal splicing: Three predict the variant abolishes a 5' splicing donor site. However, these predictions have yet to be confirmed by functional studies. The variant was absent in 251296 control chromosomes (gnomAD). c.2358+1G>A has been reported in the literature in individuals affected with Polycystic Kidney Disease 2 (e.g. Rossetti_2007, Hwang_2016, Cornec-Le Gall_2017, Gulati_2020). These data indicate that the variant is likely to be associated with disease. The following publications have been ascertained in the context of this evaluation (PMID: 17582161, 31922066, 26453610, 28356211). ClinVar contains an entry for this variant (Variation ID: 2664070). Based on the evidence outlined above, the variant was classified as pathogenic.

Fulgent Genetics
Classification: Pathogenic for Polycystic kidney disease 2. Last evaluated: 2024-01-10. Review status: criteria provided, single submitter. Criteria: ACMG Guidelines, 2015. Collection method: clinical testing. Allele origin: germline.

Department of Pathology and Laboratory Medicine, Sinai Health System
Classification: Pathogenic for Polycystic kidney disease 2. Last evaluated: 2021-04-01. Review status: criteria provided, single submitter. Criteria: ACMG Guidelines, 2015. Collection method: clinical testing. Allele origin: germline. Affected: yes.

Zotz-Klimas Genetics Lab, MVZ Zotz Klimas
Classification: Pathogenic for Polycystic kidney disease 2. Last evaluated: 2023-11-24. Review status: no assertion criteria provided. Collection method: clinical testing. Allele origin: germline. Affected: yes. Not counted in ClinVar's aggregate classification.

Literature cited by the submitters: PubMed 28356211 (cited by Women's Health and Genetics/Laboratory Corporation of America, LabCorp); PubMed 26453610 (cited by Women's Health and Genetics/Laboratory Corporation of America, LabCorp); PubMed 17582161 (cited by Women's Health and Genetics/Laboratory Corporation of America, LabCorp and Department of Pathology and Laboratory Medicine, Sinai Health System); PubMed 31922066 (cited by Women's Health and Genetics/Laboratory Corporation of America, LabCorp); PubMed 22508176 (cited by Department of Pathology and Laboratory Medicine, Sinai Health System).

NM_000297.4(PKD2):c.2358+1G>A

Gene: PKD2 (polycystin 2, transient receptor potential cation channel; plus strand). Cytogenetic location: 4q22.1.
Variant type: single nucleotide variant.
Coding change: c.2358+1G>A on transcript NM_000297.4 (MANE Select); the canonical splice donor site of the intron after coding-DNA position 2358, G replaced by A.
Molecular consequence: splice donor variant.
Genome position (GRCh38, 1-based): chr4:88,065,880, G>A. VCF-style: chr4-88065880-G-A. GRCh37 (hg19) VCF-style: chr4-88987032-G-A.
Other names: c.2358+1G>A (NM_000297.3).
Identifiers: ClinVar variation 2664070 (VCV002664070.5), dbSNP rs2110138755, ClinGen allele CA357625585.